The following is an entry in ClinVar:

ClinVar aggregate classification (germline): Likely pathogenic (1 of 4 stars; one submission).

Conditions:
Nephrotic syndrome, type 4 (NPHS4). Also called: Familial mesangial sclerosis; Nephrotic syndrome, early onset with diffuse mesangial sclerosis. Identifiers: Orphanet 656, MedGen C3151568, MONDO:0009733, OMIM 256370.

Submission:

Precision Medicine Center, Zhengzhou University
Classification: Likely pathogenic for Nephrotic syndrome, type 4. Last evaluated: 2023-12-01. Review status: criteria provided, single submitter. Criteria: ACMG Guidelines, 2015. Collection method: clinical testing. Allele origin: de novo. Affected: yes.
Comment: PS2,PM2_p,PP1,PP4

NM_024426.6(WT1):c.896T>A (p.Leu299Ter)

Gene: WT1 (WT1 transcription factor; minus strand). Cytogenetic location: 11p13.
Variant type: single nucleotide variant.
Coding change: c.896T>A on transcript NM_024426.6 (MANE Select); coding-DNA position 896, T replaced by A.
Protein change: p.Leu299Ter; replaces leucine 299 with a stop codon.
Molecular consequence: nonsense. On other transcripts: non-coding transcript variant (2).
Genome position (GRCh38, 1-based): chr11:32,417,646, A>T on the plus strand (T>A on the coding strand, the complement: WT1 is on the minus strand). VCF-style: chr11-32417646-A-T. GRCh37 (hg19) VCF-style: chr11-32439192-A-T.
Other names: c.896T>A, p.Leu299Ter (NM_000378.6, NM_001407044.1, NM_001407045.1 and 4 more transcripts); c.245T>A, p.Leu82Ter (NM_001198551.2, NM_001198552.2); c.773T>A, p.Leu258Ter (NM_001407047.1, NM_001407050.1); c.134T>A, p.Leu45Ter (NM_001407051.1); c.881T>A, p.Leu294Ter (NM_024425.2); short protein forms L258*, L294*, L299*, L45*, L82*.
Identifiers: ClinVar variation 2681777 (VCV002681777.2), dbSNP rs2494370978.